The following is an entry in ClinVar:

ClinVar aggregate classification (germline): Likely benign (1 of 4 stars; one submission).

Conditions:
Pyridoxal phosphate-responsive seizures (PNPOD). Also called: Pyridoxamine 5-Prime-Phosphate Oxidase Deficiency; Pyridoxal 5'-Phosphate (PLP)-Dependent Epilepsy; Pyridoxine-5'-phosphate oxidase deficiency; SEIZURES, PYRIDOXINE-RESISTANT, PLP-SENSITIVE; EPILEPTIC ENCEPHALOPATHY, NEONATAL, PNPO-RELATED. Identifiers: Orphanet 79096, MedGen C1864723, MONDO:0012407, OMIM 610090. Disease mechanism: loss of function.

Allele frequency attached by ClinVar (database versions not stated): 1000 Genomes Project 30x 0.00187; gnomAD 0.00316 and 0.00287; TOPMed 0.00320; gnomAD exomes 0.00026; 1000 Genomes Project 0.00200.

Submission:

Illumina Laboratory Services, Illumina
Classification: Likely benign for Pyridoxal phosphate-responsive seizures. Last evaluated: 2018-01-13. Review status: criteria provided, single submitter. Criteria: ICSL Variant Classification Criteria 13 December 2019. Collection method: clinical testing. Allele origin: germline.
Comment: This variant was observed in the ICSL laboratory as part of a predisposition screen in an ostensibly healthy population. It had not been previously curated by ICSL or reported in the Human Gene Mutation Database (HGMD: prior to June 1st, 2018), and was therefore a candidate for classification through an automated scoring system. Utilizing variant allele frequency, disease prevalence and penetrance estimates, and inheritance mode, an automated score was calculated to assess if this variant is too frequent to cause the disease. Based on the score and internal cut-off values, a variant classified as likely benign is not then subjected to further curation. The score for this variant resulted in a classification of likely benign for this disease.

NM_018129.3(PNPO):c.-115G>A

Genes: PNPO (pyridoxamine 5'-phosphate oxidase; plus strand), LOC121852937 (Sharpr-MPRA regulatory region 5948; plus strand). Cytogenetic location: 17q21.32.
Variant type: single nucleotide variant.
Coding change: c.-115G>A on transcript NM_018129.3; 115 bases upstream of the start codon, G replaced by A.
Genome position (GRCh38, 1-based): chr17:47,941,561, G>A. VCF-style: chr17-47941561-G-A. GRCh37 (hg19) VCF-style: chr17-46018927-G-A.
Identifiers: ClinVar variation 323907 (VCV000323907.7), dbSNP rs116464338, ClinGen allele CA10646040.
Genomic context (GRCh38, chr17:47,941,561, plus strand): 5'-CCCTCCTCCGATCCTGGAAACTCATTGGCTCCGAGGACTTAGGACCTGTTAGCTTGGTTG[G>A]GCGACTGGCAAATCCTTCCTTCCCCGGGGTAGAAGTCCAGGGTGAGAAATTGGTTCCGAA-3'